The following is an entry in ClinVar:

NM_003412.4(ZIC1):c.441C>G (p.His147Gln)

Gene: ZIC1 (Zic family zinc finger 1; plus strand). Cytogenetic location: 3q24.
Variant type: single nucleotide variant.
Coding change: c.441C>G on transcript NM_003412.4 (MANE Select); coding-DNA position 441, C replaced by G.
Protein change: p.His147Gln; replaces histidine 147 with glutamine.
Molecular consequence: missense variant.
Genome position (GRCh38, 1-based): chr3:147,410,553, C>G. VCF-style: chr3-147410553-C-G. GRCh37 (hg19) VCF-style: chr3-147128340-C-G.
Other names: short protein forms H147Q.
Identifiers: ClinVar variation 3676994 (VCV003676994.2).
Genomic context (GRCh38, chr3:147,410,553, plus strand): 5'-CTTCGGGGGCCCACACGGCCACACGGACGCCGCGGGCCACCTCCTCTTCCCCGGGCTTCA[C>G]GAGCAGGCTGCCGGCCACGCGTCGCCTAACGTGGTCAACGGGCAGATGAGGCTCGGCTTC-3'
Protein context (NP_003403.2, residues 137-157): AAGHLLFPGL[His147Gln]EQAAGHASPN

ClinVar aggregate classification (germline): Uncertain significance (1 of 4 stars; one submission).

Submission:

Labcorp Genetics (formerly Invitae), Labcorp
Classification: Uncertain significance. Last evaluated: 2024-02-18. Review status: criteria provided, single submitter. Criteria: Invitae Variant Classification Sherloc (09022015). Collection method: clinical testing. Allele origin: germline.
Comment: This sequence change replaces histidine, which is basic and polar, with glutamine, which is neutral and polar, at codon 147 of the ZIC1 protein (p.His147Gln). This variant is present in population databases (rs769578968, gnomAD 0.01%). This variant has not been reported in the literature in individuals affected with ZIC1-related conditions. Advanced modeling of protein sequence and biophysical properties (such as structural, functional, and spatial information, amino acid conservation, physicochemical variation, residue mobility, and thermodynamic stability) performed at Invitae indicates that this missense variant is not expected to disrupt ZIC1 protein function with a negative predictive value of 80%. In summary, the available evidence is currently insufficient to determine the role of this variant in disease. Therefore, it has been classified as a Variant of Uncertain Significance.